The following is an entry in ClinVar:

ClinVar aggregate classification (germline): Uncertain significance. Review status: criteria provided, multiple submitters, no conflicts (2 of 4 stars). 2 submissions from 2 submitters: Uncertain significance (2). Last evaluated 2024-06-27.

Conditions:
Inborn genetic diseases. Identifiers: MedGen C0950123, MeSH D030342.

gnomAD v4.1: 11 of 1,613,108 alleles (0.00068%); highest among the groups gnomAD compares: African/African-American, 0.0013%; no homozygotes.

Submissions (2):

GeneDx
Classification: Uncertain significance. Last evaluated: 2024-06-27. Review status: criteria provided, single submitter. Criteria: GeneDx Variant Classification Process June 2021. Collection method: clinical testing. Allele origin: germline. Affected: yes.
Comment: In silico analysis indicates that this missense variant does not alter protein structure/function; Not located in the triple helical region, where the majority of pathogenic missense variants occur (HGMD; PMID: 25240749); Has not been previously published as pathogenic or benign to our knowledge; This variant is associated with the following publications: (PMID: 25240749)

Ambry Genetics
Classification: Uncertain significance for Inborn genetic diseases. Last evaluated: 2024-04-24. Review status: criteria provided, single submitter. Criteria: Ambry Variant Classification Scheme 2023. Collection method: clinical testing. Allele origin: germline.

NM_001854.4(COL11A1):c.810C>G (p.Asp270Glu)

Gene: COL11A1 (collagen type XI alpha 1 chain; minus strand). Cytogenetic location: 1p21.1.
Variant type: single nucleotide variant.
Coding change: c.810C>G on transcript NM_001854.4 (MANE Select); coding-DNA position 810, C replaced by G.
Protein change: p.Asp270Glu; replaces aspartic acid 270 with glutamic acid.
Molecular consequence: missense variant. On other transcripts: non-coding transcript variant (1), intron variant (2).
Genome position (GRCh38, 1-based): chr1:103,026,303, G>C on the plus strand (C>G on the coding strand, the complement: COL11A1 is on the minus strand). VCF-style: chr1-103026303-G-C. GRCh37 (hg19) VCF-style: chr1-103491859-G-C.
Other names: c.810C>G, p.Asp270Glu (NM_080630.4); c.781-690C>G (NM_001190709.2); c.781-351C>G (NM_080629.3); short protein forms D270E.
Identifiers: ClinVar variation 3268508 (VCV003268508.2).